The following is an entry in ClinVar:

NM_001127671.2(LIFR):c.1432G>A (p.Glu478Lys)

Gene: LIFR (LIF receptor subunit alpha; minus strand). Cytogenetic location: 5p13.1.
Variant type: single nucleotide variant.
Coding change: c.1432G>A on transcript NM_001127671.2 (MANE Select); coding-DNA position 1432, G replaced by A.
Protein change: p.Glu478Lys; replaces glutamic acid 478 with lysine.
Molecular consequence: missense variant.
Genome position (GRCh38, 1-based): chr5:38,503,981, C>T on the plus strand (G>A on the coding strand, the complement: LIFR is on the minus strand). VCF-style: chr5-38503981-C-T. GRCh37 (hg19) VCF-style: chr5-38504083-C-T.
Other names: c.1432G>A, p.Glu478Lys (NM_001364297.2, NM_001364298.2, NM_002310.6); short protein forms E478K.
Identifiers: ClinVar variation 3711648 (VCV003711648.1).

ClinVar aggregate classification (germline): Uncertain significance (1 of 4 stars; one submission).

gnomAD v4.1: 4 of 1,568,954 alleles (0.00025%); highest among the groups gnomAD compares: African/African-American, 0.0014%; no homozygotes.

Submission:

Labcorp Genetics (formerly Invitae), Labcorp
Classification: Uncertain significance. Last evaluated: 2024-04-08. Review status: criteria provided, single submitter. Criteria: Invitae Variant Classification Sherloc (09022015). Collection method: clinical testing. Allele origin: germline.
Comment: This sequence change replaces glutamic acid, which is acidic and polar, with lysine, which is basic and polar, at codon 478 of the LIFR protein (p.Glu478Lys). The frequency data for this variant in the population databases is considered unreliable, as metrics indicate poor data quality at this position in the gnomAD database. This variant has not been reported in the literature in individuals affected with LIFR-related conditions. An algorithm developed to predict the effect of missense changes on protein structure and function (PolyPhen-2) suggests that this variant¬†is likely to be tolerated. In summary, the available evidence is currently insufficient to determine the role of this variant in disease. Therefore, it has been classified as a Variant of Uncertain Significance.